The following is an entry in ClinVar:

NM_001035.3(RYR2):c.7081G>A (p.Gly2361Ser)

Gene: RYR2 (ryanodine receptor 2; plus strand). Cytogenetic location: 1q43.
Variant type: single nucleotide variant.
Coding change: c.7081G>A on transcript NM_001035.3 (MANE Select); coding-DNA position 7081, G replaced by A.
Protein change: p.Gly2361Ser; replaces glycine 2361 with serine.
Molecular consequence: missense variant.
Genome position (GRCh38, 1-based): chr1:237,639,167, G>A. VCF-style: chr1-237639167-G-A. GRCh37 (hg19) VCF-style: chr1-237802467-G-A.
Other names: short protein forms G2361S.
Identifiers: ClinVar variation 2803788 (VCV002803788.4), dbSNP rs2546965075, ClinGen allele CA345396043.
Genomic context (GRCh38, chr1:237,639,167, plus strand): 5'-AATGGGCTTCTTGCAGCAATGGAAGAAGCCATCAAAATCGCCGAGGATCCTTCCCGAGAT[G>A]GTCCCTCACCAAATAGCGGATCCAGTAAAACACTGTAGGTCTAATATACACACCCTCACG-3'
Protein context (NP_001026.2, residues 2351-2371): IKIAEDPSRD[Gly2361Ser]PSPNSGSSKT

ClinVar aggregate classification (germline): Uncertain significance. Review status: criteria provided, multiple submitters, no conflicts (2 of 4 stars). 2 submissions from 2 submitters: Uncertain significance (2). Last evaluated 2024-08-13.

Conditions:
Catecholaminergic polymorphic ventricular tachycardia (CVPT). Also called: Catecholamine-induced polymorphic ventricular tachycardia. Identifiers: Orphanet 3286, MedGen C5574922, MONDO:0017990.
Catecholaminergic polymorphic ventricular tachycardia 1. Also called: RYR2-Related Catecholaminergic Polymorphic Ventricular Tachycardia; VENTRICULAR TACHYCARDIA, CATECHOLAMINERGIC POLYMORPHIC, 1, WITH OR WITHOUT ATRIAL DYSFUNCTION AND/OR DILATED CARDIOMYOPATHY; VENTRICULAR TACHYCARDIA, STRESS-INDUCED POLYMORPHIC 1. Identifiers: Orphanet 3286, MedGen C1631597, MONDO:0011484, OMIM 604772.

Submissions (2):

Labcorp Genetics (formerly Invitae), Labcorp
Classification: Uncertain significance for Catecholaminergic polymorphic ventricular tachycardia 1. Last evaluated: 2024-08-13. Review status: criteria provided, single submitter. Criteria: Invitae Variant Classification Sherloc (09022015). Collection method: clinical testing. Allele origin: germline.
Comment: This sequence change replaces glycine, which is neutral and non-polar, with serine, which is neutral and polar, at codon 2361 of the RYR2 protein (p.Gly2361Ser). This variant is not present in population databases (gnomAD no frequency). This variant has not been reported in the literature in individuals affected with RYR2-related conditions. Advanced modeling of protein sequence and biophysical properties (such as structural, functional, and spatial information, amino acid conservation, physicochemical variation, residue mobility, and thermodynamic stability) performed at Invitae indicates that this missense variant is expected to disrupt RYR2 protein function with a positive predictive value of 80%. In summary, the available evidence is currently insufficient to determine the role of this variant in disease. Therefore, it has been classified as a Variant of Uncertain Significance.

All of Us Research Program, National Institutes of Health
Classification: Uncertain significance for Catecholaminergic polymorphic ventricular tachycardia. Last evaluated: 2023-03-28. Review status: criteria provided, single submitter. Criteria: ACMG Guidelines, 2015. Collection method: clinical testing. Allele origin: germline. Inheritance: Autosomal dominant inheritance. Observed: 1 variant allele, 1 heterozygote.
Comment: This study involves interpretation of variants in research participants for the purpose of population health screening. Participant phenotype was not available at the time of variant classification. Additional details can be found in publication PMID: 35346344, PMCID: PMC8962531